The following is an entry in ClinVar:

NM_006080.3(SEMA3A):c.-6dup

Gene: SEMA3A (semaphorin 3A; minus strand). Cytogenetic location: 7q21.11.
Variant type: Duplication.
Coding change: c.-6dup on transcript NM_006080.3 (MANE Select); 6 bases upstream of the start codon, one base duplicated (T; older notation c.-6dupT).
Molecular consequence: 5 prime UTR variant.
Genome position (GRCh38, 1-based): chr7:84,194,592, A duplicated on the plus strand (T on the coding strand, the reverse complement: SEMA3A is on the minus strand). VCF-style (leftmost placement, unchanged base first): chr7-84194591-C-CA. GRCh37 (hg19) VCF-style: chr7-83823907-C-CA.
Other names: c.-6dupT (NM_006080.2).
Identifiers: ClinVar variation 3354330 (VCV003354330.1).

ClinVar aggregate classification (germline): Likely benign (0 of 4 stars; one submission).

Conditions:
SEMA3A-related disorder. Also called: SEMA3A-related condition.

Submission:

PreventionGenetics, part of Exact Sciences
Classification: Likely benign for SEMA3A-related condition. Last evaluated: 2022-03-25. Review status: no assertion criteria provided. Collection method: clinical testing. Allele origin: germline.
Comment: This variant is classified as likely benign based on ACMG/AMP sequence variant interpretation guidelines (Richards et al. 2015 PMID: 25741868, with internal and published modifications).